The following is an entry in ClinVar:

ClinVar aggregate classification (germline): Benign. Review status: criteria provided, multiple submitters, no conflicts (2 of 4 stars). 2 submissions from 2 submitters: Benign (2). Last evaluated 2018-06-14.

Allele frequency attached by ClinVar (database versions not stated): gnomAD 0.63321 and 0.64135; TOPMed 0.65054; 1000 Genomes Project 30x 0.72751; 1000 Genomes Project 0.72903.
gnomAD v4.1: 97,360 of 152,100 alleles (64%); highest among the groups gnomAD compares: East Asian, 93%; 31,768 homozygotes.

Submissions (2):

GeneDx
Classification: Benign. Last evaluated: 2018-06-14. Review status: criteria provided, single submitter. Criteria: GeneDx Variant Classification (06012015). Collection method: clinical testing. Allele origin: germline. Affected: yes.
Comment: This variant is considered likely benign or benign based on one or more of the following criteria: it is a conservative change, it occurs at a poorly conserved position in the protein, it is predicted to be benign by multiple in silico algorithms, and/or has population frequency not consistent with disease.

Breakthrough Genomics
Classification: Benign. Review status: criteria provided, single submitter. Criteria: ACMG Guidelines, 2015. Collection method: not provided. Allele origin: germline. Inheritance: Autosomal recessive inheritance. Affected: yes.

NM_006005.3(WFS1):c.632-198T>C

Gene: WFS1 (wolframin ER transmembrane glycoprotein; plus strand). Cytogenetic location: 4p16.1.
Variant type: single nucleotide variant.
Coding change: c.632-198T>C on transcript NM_006005.3 (MANE Select); 198 bases into the intron before coding-DNA position 632, T replaced by C.
Molecular consequence: intron variant.
Genome position (GRCh38, 1-based): chr4:6,291,719, T>C. VCF-style: chr4-6291719-T-C. GRCh37 (hg19) VCF-style: chr4-6293446-T-C.
Other names: c.632-198T>C (NM_001145853.1).
Identifiers: ClinVar variation 670290 (VCV000670290.2), dbSNP rs13101355, ClinGen allele CA11634620.